The following is an entry in ClinVar:

NM_001876.4(CPT1A):c.1865C>T (p.Pro622Leu)

Gene: CPT1A (carnitine palmitoyltransferase 1A; minus strand). Cytogenetic location: 11q13.3.
Variant type: single nucleotide variant.
Coding change: c.1865C>T on transcript NM_001876.4 (MANE Select); coding-DNA position 1865, C replaced by T.
Protein change: p.Pro622Leu; replaces proline 622 with leucine.
Molecular consequence: missense variant.
Genome position (GRCh38, 1-based): chr11:68,762,637, G>A on the plus strand (C>T on the coding strand, the complement: CPT1A is on the minus strand). VCF-style: chr11-68762637-G-A. GRCh37 (hg19) VCF-style: chr11-68530105-G-A.
Other names: c.1865C>T, p.Pro622Leu (NM_001031847.3); short protein forms P622L.
Identifiers: ClinVar variation 969585 (VCV000969585.5), dbSNP rs776782808, ClinGen allele CA6152179.

ClinVar aggregate classification (germline): Uncertain significance. Review status: criteria provided, single submitter (1 of 4 stars). 2 submissions from 2 submitters: Uncertain significance (1). 1 of the submissions does not count toward it. Last evaluated 2021-08-28.

Conditions:
Carnitine palmitoyl transferase 1A deficiency. Also called: Carnitine palmitoyltransferase 1A deficiency; CPT deficiency, hepatic, type IA; CPT I DEFICIENCY; CPT DEFICIENCY, HEPATIC, TYPE I; Carnitine palmitoyltransferase type I deficiency. Identifiers: Orphanet 156, MedGen C1829703, MONDO:0009705, OMIM 255120.

Allele frequency attached by ClinVar (database versions not stated): gnomAD 0.00001; gnomAD exomes 0.00003 and 0.00006; TOPMed 0.00003; ExAC 0.00007.
gnomAD v4.1: 49 of 1,613,552 alleles (0.003%); highest among the groups gnomAD compares: East Asian, 0.06%; no homozygotes.

Submissions (2):

Labcorp Genetics (formerly Invitae), Labcorp
Classification: Uncertain significance for Carnitine palmitoyl transferase 1A deficiency. Last evaluated: 2021-08-28. Review status: criteria provided, single submitter. Criteria: Invitae Variant Classification Sherloc (09022015). Collection method: clinical testing. Allele origin: germline.
Comment: This sequence change replaces proline with leucine at codon 622 of the CPT1A protein (p.Pro622Leu). The proline residue is moderately conserved and there is a moderate physicochemical difference between proline and leucine. This variant is present in population databases (rs776782808, ExAC 0.03%). This variant has not been reported in the literature in individuals affected with CPT1A-related conditions. Algorithms developed to predict the effect of missense changes on protein structure and function are either unavailable or do not agree on the potential impact of this missense change (SIFT: "Tolerated"; PolyPhen-2: "Possibly Damaging"; Align-GVGD: "Class C0"). In summary, the available evidence is currently insufficient to determine the role of this variant in disease. Therefore, it has been classified as a Variant of Uncertain Significance.

Natera, Inc.
Classification: Uncertain significance for Carnitine palmitoyltransferase type I deficiency. Last evaluated: 2020-04-16. Review status: no assertion criteria provided. Collection method: clinical testing. Allele origin: germline. Not counted in ClinVar's aggregate classification.